The following is an entry in ClinVar:

ClinVar aggregate classification (germline): Uncertain significance (1 of 4 stars; one submission).

Allele frequency attached by ClinVar (database versions not stated): gnomAD exomes below 0.00001.
gnomAD v4.1: 2 of 1,614,130 alleles (0.00012%); highest among the groups gnomAD compares: Admixed American, 0.0033%; no homozygotes.

Submission:

Women's Health and Genetics/Laboratory Corporation of America, LabCorp
Classification: Uncertain significance. Last evaluated: 2021-05-24. Review status: criteria provided, single submitter. Criteria: LabCorp Variant Classification Summary - May 2015. Collection method: clinical testing. Allele origin: germline.
Comment: Variant summary: NOS1AP c.454-6T>A alters a nucleotide located close to a canonical splice site and therefore could affect mRNA splicing, leading to a significantly altered protein sequence. Several computational tools predict an impact on normal splicing: Three predict the variant slightly weakens a 3' acceptor site. However, these predictions have yet to be confirmed by functional studies. The variant allele was found at a frequency of 4e-06 in 251230 control chromosomes. The available data on variant occurrences in the general population are insufficient to allow any conclusion about variant significance. To our knowledge, no occurrence of c.454-6T>A in individuals affected with Long QT Syndrome and no experimental evidence demonstrating its impact on protein function have been reported. No clinical diagnostic laboratories have submitted clinical-significance assessments for this variant to ClinVar after 2014. Based on the evidence outlined above, the variant was classified as uncertain significance.

NM_014697.3(NOS1AP):c.454-6T>A

Gene: NOS1AP (nitric oxide synthase 1 adaptor protein; plus strand). Cytogenetic location: 1q23.3.
Variant type: single nucleotide variant.
Coding change: c.454-6T>A on transcript NM_014697.3 (MANE Select); 6 bases into the intron before coding-DNA position 454, T replaced by A.
Molecular consequence: intron variant.
Genome position (GRCh38, 1-based): chr1:162,343,829, T>A. VCF-style: chr1-162343829-T-A. GRCh37 (hg19) VCF-style: chr1-162313619-T-A.
Other names: c.439-6T>A (NM_001164757.2).
Identifiers: ClinVar variation 1172862 (VCV001172862.1), dbSNP rs1335793126, ClinGen allele CA526891466.